The following is an entry in ClinVar:

NM_001433705.1(NLRP5):c.845_846del (p.Thr282fs)

Genes: NLRP5 (NLR family pyrin domain containing 5; plus strand), LOC126862935 (BRD4-independent group 4 enhancer GRCh37_chr19:56537936-56539135; plus strand). Cytogenetic location: 19q13.43.
Variant type: Microsatellite.
Coding change: c.845_846del on transcript NM_001433705.1 (MANE Select); coding-DNA positions 845 to 846, 2 bases deleted (CA; older notation c.845_846delCA).
Protein change: p.Thr282fs; shifts the reading frame from threonine 282.
Molecular consequence: frameshift variant.
Genome position (GRCh38, 1-based): chr19:56,027,231-56,027,232, CA deleted; deleting any 2 consecutive bases within chr19:56,027,229-56,027,232 gives the same sequence; the c. name uses the placement nearest the transcript's 3' end. VCF-style (leftmost placement, unchanged base first): chr19-56027228-TCA-T. GRCh37 (hg19) VCF-style: chr19-56538594-TCA-T.
Other names: NM_153447.4:c.998_999del; short protein forms T282fs.
Identifiers: ClinVar variation 3067909 (VCV003067909.2), dbSNP rs2514452737, ClinGen allele CA2576901178.

ClinVar aggregate classification (germline): Conflicting classifications of pathogenicity. Review status: criteria provided, conflicting classifications (1 of 4 stars). 2 submissions from 2 submitters: Likely pathogenic (1); Uncertain significance (1). Last evaluated 2024-04-04.

Conditions:
Oocyte/zygote/embryo maturation arrest 19 (OZEMA19). Identifiers: MedGen C5830442, MONDO:0957231, OMIM 620333.

Submissions (2):

Genomic Medicine Center of Excellence, King Faisal Specialist Hospital and Research Centre
Classification: Uncertain significance for Oocyte/zygote/embryo maturation arrest 19. Last evaluated: 2024-04-04. Review status: criteria provided, single submitter. Criteria: ACMG Guidelines, 2015. Collection method: clinical testing. Allele origin: germline.

Molecular Genetics Department, Kulakov National Medical Research Center for Obstetrics, Gynecology and Perinatology
Classification: Likely pathogenic for Oocyte/zygote/embryo maturation arrest 19. Review status: criteria provided, single submitter. Criteria: ACMG Guidelines, 2015. Collection method: clinical testing. Allele origin: germline. Affected: yes. Observed: 1 variant allele.
Comment: A previously undescribed heterozygous nucleotide variant creates a frameshift p.Thr333ArgfsTer29 in the NLRP5 gene. Homozygous and compound heterozygous variants are reported in patients with oocyte/zygote/embryo maturation arrest 19, 620333. The variant is not present in population database (gnomAD no frequency). In summary, the currently available evidence indicates that the variant is pathogenic, but additional data are needed to prove that conclusively. Therefore, this variant has been classified as likely pathogenic.